The following is an entry in ClinVar:

ClinVar aggregate classification (germline): Uncertain significance. Review status: criteria provided, multiple submitters, no conflicts (2 of 4 stars). 2 submissions from 2 submitters: Uncertain significance (2). Last evaluated 2025-11-05.

Conditions:
Familial hypocalciuric hypercalcemia (FHH). Also called: Familial benign hypercalcemia. Identifiers: Orphanet 405, MedGen C1809471, MONDO:0018458.
Autosomal dominant hypocalcemia 1 (HYPOC1). Also called: HYPOCALCEMIA, FAMILIAL. Identifiers: MedGen C3715128, MONDO:0011013, OMIM 601198.
Nephrolithiasis/nephrocalcinosis. Identifiers: MedGen CN580796.

Allele frequency attached by ClinVar (database versions not stated): gnomAD exomes below 0.00001.
gnomAD v4.1: 1 of 1,614,056 alleles (0.000062%); no homozygotes.

Submissions (2):

Labcorp Genetics (formerly Invitae), Labcorp
Classification: Uncertain significance for Familial hypocalciuric hypercalcemia; Autosomal dominant hypocalcemia 1. Last evaluated: 2025-11-05. Review status: criteria provided, single submitter. Criteria: Invitae Variant Classification Sherloc (09022015). Collection method: clinical testing. Allele origin: germline.
Comment: This sequence change replaces valine, which is neutral and non-polar, with isoleucine, which is neutral and non-polar, at codon 513 of the CASR protein (p.Val513Ile). This variant is not present in population databases (gnomAD no frequency). This variant has not been reported in the literature in individuals affected with CASR-related conditions. ClinVar contains an entry for this variant (Variation ID: 1521600). An algorithm developed to predict the effect of missense changes on protein structure and function (PolyPhen-2) suggests that this variant is likely to be tolerated. In summary, the available evidence is currently insufficient to determine the role of this variant in disease. Therefore, it has been classified as a Variant of Uncertain Significance.

Ambry Genetics
Classification: Uncertain significance for Nephrolithiasis/nephrocalcinosis. Last evaluated: 2022-03-04. Review status: criteria provided, single submitter. Criteria: Ambry Variant Classification Scheme 2023. Collection method: clinical testing. Allele origin: germline.
Comment: The p.V513I variant (also known as c.1537G>A), located in coding exon 4 of the CASR gene, results from a G to A substitution at nucleotide position 1537. The valine at codon 513 is replaced by isoleucine, an amino acid with highly similar properties. This amino acid position is conserved. In addition, this alteration is predicted to be tolerated by in silico analysis. Since supporting evidence is limited at this time, the clinical significance of this alteration remains unclear.

NM_000388.4(CASR):c.1537G>A (p.Val513Ile)

Gene: CASR (calcium sensing receptor; plus strand). Cytogenetic location: 3q21.1.
Variant type: single nucleotide variant.
Coding change: c.1537G>A on transcript NM_000388.4 (MANE Select); coding-DNA position 1537, G replaced by A.
Protein change: p.Val513Ile; replaces valine 513 with isoleucine.
Molecular consequence: missense variant.
Genome position (GRCh38, 1-based): chr3:122,275,971, G>A. VCF-style: chr3-122275971-G-A. GRCh37 (hg19) VCF-style: chr3-121994818-G-A.
Other names: c.1537G>A, p.Val513Ile (NM_001178065.2); short protein forms V513I.
Identifiers: ClinVar variation 1521600 (VCV001521600.8), dbSNP rs866241407, ClinGen allele CA82745990.